The following is an entry in ClinVar:

NM_015627.3(LDLRAP1):c.863C>T (p.Ser288Leu)

Gene: LDLRAP1 (low density lipoprotein receptor adaptor protein 1; plus strand). Cytogenetic location: 1p36.11.
Variant type: single nucleotide variant.
Coding change: c.863C>T on transcript NM_015627.3 (MANE Select); coding-DNA position 863, C replaced by T.
Protein change: p.Ser288Leu; replaces serine 288 with leucine.
Molecular consequence: missense variant.
Genome position (GRCh38, 1-based): chr1:25,566,928, C>T. VCF-style: chr1-25566928-C-T. GRCh37 (hg19) VCF-style: chr1-25893419-C-T.
Other names: short protein forms S288L.
Identifiers: ClinVar variation 520396 (VCV000520396.4), dbSNP rs753151497, ClinGen allele CA695773.
Genomic context (GRCh38, chr1:25,566,928, plus strand): 5'-ACCCTCAGGTCCTGGACACTGGCCTGACAGCCCAGGACATGCATTACGCCCAGTGCCTCT[C>T]GCCTGTCGACTGGGACAAGCCTGACAGCAGCGGCACAGAGCAGGATGACCTCTTCAGCTT-3'
Protein context (NP_056442.2, residues 278-298): AQDMHYAQCL[Ser288Leu]PVDWDKPDSS

ClinVar aggregate classification (germline): Uncertain significance. Review status: criteria provided, single submitter (1 of 4 stars). 2 submissions from 2 submitters: Uncertain significance (1). 1 of the submissions does not count toward it. Last evaluated 2025-06-16.

Conditions:
Hypercholesterolemia, familial, 4 (FHCL4). Also called: HYPERCHOLESTEROLEMIA, AUTOSOMAL RECESSIVE, 1; HYPERCHOLESTEROLEMIA, AUTOSOMAL RECESSIVE, 2. Identifiers: Orphanet 391665, MedGen C1863512, MONDO:0011374, OMIM 603813.
Cardiovascular phenotype. Identifiers: MedGen CN230736.

Allele frequency attached by ClinVar (database versions not stated): gnomAD exomes 0.00001 and 0.00005; ExAC 0.00002; gnomAD 0.00004; TOPMed 0.00008.
gnomAD v4.1: 28 of 1,613,452 alleles (0.0017%); highest among the groups gnomAD compares: Admixed American, 0.018%; no homozygotes.

Submissions (2):

Ambry Genetics
Classification: Uncertain significance for Cardiovascular phenotype. Last evaluated: 2025-06-16. Review status: criteria provided, single submitter. Criteria: Ambry Variant Classification Scheme 2023. Collection method: clinical testing. Allele origin: germline.
Comment: The p.S288L variant (also known as c.863C>T), located in coding exon 9 of the LDLRAP1 gene, results from a C to T substitution at nucleotide position 863. The serine at codon 288 is replaced by leucine, an amino acid with dissimilar properties. This amino acid position is highly conserved in available vertebrate species. In addition, the in silico prediction for this alteration is inconclusive. Based on the available evidence, the clinical significance of this variant remains unclear.

OMIM
Classification: Pathogenic for HYPERCHOLESTEROLEMIA, FAMILIAL, 4, AUTOSOMAL RECESSIVE. Last evaluated: 2019-06-19. Review status: no assertion criteria provided. Collection method: literature only. Allele origin: germline. Not counted in ClinVar's aggregate classification.

Literature cited by the submitters: PubMed 29245109 (cited by Ambry Genetics and OMIM).